The following is an entry in ClinVar:

ClinVar aggregate classification (germline): Uncertain significance. Review status: criteria provided, multiple submitters, no conflicts (2 of 4 stars). 2 submissions from 2 submitters: Uncertain significance (2). Last evaluated 2025-10-17.

Conditions:
Multiple endocrine neoplasia type 4. Also called: MULTIPLE ENDOCRINE NEOPLASIA, TYPE IV. Identifiers: Orphanet 276152, MedGen C1970712, MONDO:0012552, OMIM 610755.
Hereditary cancer-predisposing syndrome. Also called: Hereditary Cancer Syndrome; Neoplastic Syndromes, Hereditary; Hereditary neoplastic syndrome; Tumor predisposition. Identifiers: Orphanet 140162, MedGen C0027672, MeSH D009386, MONDO:0015356.

Submissions (2):

Ambry Genetics
Classification: Uncertain significance for Hereditary cancer-predisposing syndrome. Last evaluated: 2025-10-17. Review status: criteria provided, single submitter. Criteria: Ambry Variant Classification Scheme 2023. Collection method: clinical testing. Allele origin: germline.
Comment: The p.H67Q variant (also known as c.201C>G), located in coding exon 1 of the CDKN1B gene, results from a C to G substitution at nucleotide position 201. The histidine at codon 67 is replaced by glutamine, an amino acid with highly similar properties. This amino acid position is well conserved in available vertebrate species. In addition, the in silico prediction for this alteration is inconclusive. Based on the available evidence, the clinical significance of this variant remains unclear.

Labcorp Genetics (formerly Invitae), Labcorp
Classification: Uncertain significance for Multiple endocrine neoplasia type 4. Last evaluated: 2022-04-24. Review status: criteria provided, single submitter. Criteria: Invitae Variant Classification Sherloc (09022015). Collection method: clinical testing. Allele origin: germline.
Comment: This variant has not been reported in the literature in individuals affected with CDKN1B-related conditions. In summary, the available evidence is currently insufficient to determine the role of this variant in disease. Therefore, it has been classified as a Variant of Uncertain Significance. Algorithms developed to predict the effect of missense changes on protein structure and function are either unavailable or do not agree on the potential impact of this missense change (SIFT: "Deleterious"; PolyPhen-2: "Benign"; Align-GVGD: "Class C15"). This variant is not present in population databases (gnomAD no frequency). This sequence change replaces histidine, which is basic and polar, with glutamine, which is neutral and polar, at codon 67 of the CDKN1B protein (p.His67Gln).

NM_004064.5(CDKN1B):c.201C>G (p.His67Gln)

Gene: CDKN1B (cyclin dependent kinase inhibitor 1B; plus strand). Cytogenetic location: 12p13.1.
Variant type: single nucleotide variant.
Coding change: c.201C>G on transcript NM_004064.5 (MANE Select); coding-DNA position 201, C replaced by G.
Protein change: p.His67Gln; replaces histidine 67 with glutamine.
Molecular consequence: missense variant.
Genome position (GRCh38, 1-based): chr12:12,718,040, C>G. VCF-style: chr12-12718040-C-G. GRCh37 (hg19) VCF-style: chr12-12870974-C-G.
Other names: c.201C>G (NM_004064.3); short protein forms H67Q.
Identifiers: ClinVar variation 2130024 (VCV002130024.5), dbSNP rs771682338, ClinGen allele CA383969471.